The following is an entry in ClinVar:

NM_006946.4(SPTBN2):c.2503_2504delinsAG (p.Glu835Arg)

Gene: SPTBN2 (spectrin beta, non-erythrocytic 2; minus strand). Cytogenetic location: 11q13.2.
Variant type: Indel.
Coding change: c.2503_2504delinsAG on transcript NM_006946.4 (MANE Select); coding-DNA positions 2503 to 2504, GA replaced by AG.
Protein change: p.Glu835Arg; replaces glutamic acid 835 with arginine.
Molecular consequence: missense variant.
Genome position (GRCh38, 1-based): chr11:66,704,772-66,704,773, TC replaced by CT on the plus strand (GA replaced by AG on the coding strand, the reverse complement: SPTBN2 is on the minus strand). VCF-style: chr11-66704772-TC-CT. GRCh37 (hg19) VCF-style: chr11-66472243-TC-CT.
Other names: c.2524_2525delGAinsAG, p.Glu842Arg (NM_001411025.1); short protein forms E835R, E842R.
Identifiers: ClinVar variation 2312655 (VCV002312655.5), dbSNP rs2496268994, ClinGen allele CA2580084576.

ClinVar aggregate classification (germline): Uncertain significance. Review status: criteria provided, multiple submitters, no conflicts (2 of 4 stars). 2 submissions from 2 submitters: Uncertain significance (2). Last evaluated 2025-07-31.

Conditions:
Inborn genetic diseases. Identifiers: MedGen C0950123, MeSH D030342.

Submissions (2):

Labcorp Genetics (formerly Invitae), Labcorp
Classification: Uncertain significance. Last evaluated: 2025-07-31. Review status: criteria provided, single submitter. Criteria: Invitae Variant Classification Sherloc (09022015). Collection method: clinical testing. Allele origin: germline.
Comment: This sequence change replaces glutamic acid, which is acidic and polar, with arginine, which is basic and polar, at codon 835 of the SPTBN2 protein (p.Glu835Arg). This variant is present in population databases (no rsID available, gnomAD 0.007%). This variant has not been reported in the literature in individuals affected with SPTBN2-related conditions. ClinVar contains an entry for this variant (Variation ID: 2312655). An algorithm developed to predict the effect of missense changes on protein structure and function (PolyPhen-2) suggests that this variant is likely to be tolerated. In summary, the available evidence is currently insufficient to determine the role of this variant in disease. Therefore, it has been classified as a Variant of Uncertain Significance.

Ambry Genetics
Classification: Uncertain significance for Inborn genetic diseases. Last evaluated: 2022-09-20. Review status: criteria provided, single submitter. Criteria: Ambry Variant Classification Scheme 2023. Collection method: clinical testing. Allele origin: germline.
Comment: Unlikely to be causative of SPTBN2-related spinocerebellar ataxia (AD) Based on insufficient or conflicting evidence, the clinical significance of this alteration remains unclear.